The following is an entry in ClinVar:

NM_003859.3(DPM1):c.13G>C (p.Glu5Gln)

Genes: DPM1 (dolichyl-phosphate mannosyltransferase subunit 1, catalytic; minus strand), LOC130066166 (ATAC-STARR-seq lymphoblastoid active region 18108; plus strand). Cytogenetic location: 20q13.13.
Variant type: single nucleotide variant.
Coding change: c.13G>C on transcript NM_003859.3 (MANE Select); coding-DNA position 13, G replaced by C.
Protein change: p.Glu5Gln; replaces glutamic acid 5 with glutamine.
Molecular consequence: missense variant. On other transcripts: non-coding transcript variant (1).
Genome position (GRCh38, 1-based): chr20:50,958,511, C>G on the plus strand (G>C on the coding strand, the complement: DPM1 is on the minus strand). VCF-style: chr20-50958511-C-G. GRCh37 (hg19) VCF-style: chr20-49575048-C-G.
Other names: c.13G>C, p.Glu5Gln (NM_001317034.1, NM_001317035.1, NM_001317036.1); short protein forms E5Q.
Identifiers: ClinVar variation 2001096 (VCV002001096.4), dbSNP rs2515741478, ClinGen allele CA408981291.

ClinVar aggregate classification (germline): Uncertain significance (1 of 4 stars; one submission).

Conditions:
Congenital disorder of glycosylation type 1E (CDG1E). Also called: CDG Ie; CONGENITAL DISORDER OF GLYCOSYLATION, TYPE Ie. Identifiers: Orphanet 79322, MedGen C1837396, MONDO:0012123, OMIM 608799.

gnomAD v4.1: 3 of 1,613,622 alleles (0.00019%); highest among the groups gnomAD compares: South Asian, 0.0011%; no homozygotes.

Submission:

Labcorp Genetics (formerly Invitae), Labcorp
Classification: Uncertain significance for Congenital disorder of glycosylation type 1E. Last evaluated: 2022-05-30. Review status: criteria provided, single submitter. Criteria: Invitae Variant Classification Sherloc (09022015). Collection method: clinical testing. Allele origin: germline.
Comment: This sequence change replaces glutamic acid, which is acidic and polar, with glutamine, which is neutral and polar, at codon 5 of the DPM1 protein (p.Glu5Gln). This variant is not present in population databases (gnomAD no frequency). This variant has not been reported in the literature in individuals affected with DPM1-related conditions. Algorithms developed to predict the effect of missense changes on protein structure and function are either unavailable or do not agree on the potential impact of this missense change (SIFT: "Tolerated"; PolyPhen-2: "Not Available"; Align-GVGD: "Class C0"). In summary, the available evidence is currently insufficient to determine the role of this variant in disease. Therefore, it has been classified as a Variant of Uncertain Significance.